The following is an entry in ClinVar:

NM_003106.4(SOX2):c.419C>G (p.Ala140Gly)

Genes: SOX2 (SRY-box transcription factor 2; plus strand), SOX2-OT (SOX2 overlapping transcript; plus strand), LOC108281177 (SOX2 5' regulatory region; plus strand). Cytogenetic location: 3q26.33.
Variant type: single nucleotide variant.
Coding change: c.419C>G on transcript NM_003106.4 (MANE Select); coding-DNA position 419, C replaced by G.
Protein change: p.Ala140Gly; replaces alanine 140 with glycine.
Molecular consequence: missense variant.
Genome position (GRCh38, 1-based): chr3:181,712,779, C>G. VCF-style: chr3-181712779-C-G. GRCh37 (hg19) VCF-style: chr3-181430567-C-G.
Other names: short protein forms A140G.
Identifiers: ClinVar variation 3896279 (VCV003896279.2).

ClinVar aggregate classification (germline): Uncertain significance (1 of 4 stars; one submission).

Submission:

Women's Health and Genetics/Laboratory Corporation of America, LabCorp
Classification: Uncertain significance. Last evaluated: 2025-04-15. Review status: criteria provided, single submitter. Criteria: LabCorp Variant Classification Summary - May 2015. Collection method: clinical testing. Allele origin: germline.
Comment: Variant summary: SOX2 c.419C>G (p.Ala140Gly) results in a non-conservative amino acid change in the encoded protein sequence. Four of five in-silico tools predict a benign effect of the variant on protein function. The variant was absent in 224024 control chromosomes. The available data on variant occurrences in the general population are insufficient to allow any conclusion about variant significance. To our knowledge, no occurrence of c.419C>G in individuals affected with Anophthalmia/microphthalmia-Esophageal Atresia Syndrome and no experimental evidence demonstrating its impact on protein function have been reported. No submitters have cited clinical-significance assessments for this variant to ClinVar. Based on the evidence outlined above, the variant was classified as uncertain significance.